The following is an entry in ClinVar:

ClinVar aggregate classification (germline): Uncertain significance. Review status: criteria provided, multiple submitters, no conflicts (2 of 4 stars). 6 submissions from 6 submitters: Uncertain significance (6). Last evaluated 2024-11-21.

Conditions:
Inborn genetic diseases. Identifiers: MedGen C0950123, MeSH D030342.
Sideroblastic anemia 2. Also called: Anemia, sideroblastic, 2, pyridoxine-refractory. Identifiers: Orphanet 260305, MedGen C4225425, MONDO:0008785, OMIM 205950.

Allele frequency attached by ClinVar (database versions not stated): gnomAD 0.00011; gnomAD exomes 0.00011 and 0.00016; TOPMed 0.00011; ExAC 0.00012; 1000 Genomes Project 30x 0.00016; 1000 Genomes Project 0.00020.
gnomAD v4.1: 185 of 1,614,076 alleles (0.011%); highest among the groups gnomAD compares: Middle Eastern, 0.13%; no homozygotes.

Submissions (6):

Blueprint Genetics
Classification: Uncertain significance. Last evaluated: 2024-11-21. Review status: criteria provided, single submitter. Criteria: ACMG Guidelines, 2015. Collection method: clinical testing. Allele origin: germline.

Labcorp Genetics (formerly Invitae), Labcorp
Classification: Uncertain significance. Last evaluated: 2022-07-02. Review status: criteria provided, single submitter. Criteria: Invitae Variant Classification Sherloc (09022015). Collection method: clinical testing. Allele origin: germline.
Comment: This sequence change replaces arginine, which is basic and polar, with cysteine, which is neutral and slightly polar, at codon 67 of the SLC25A38 protein (p.Arg67Cys). This variant is present in population databases (rs200791957, gnomAD 0.09%). This variant has not been reported in the literature in individuals affected with SLC25A38-related conditions. ClinVar contains an entry for this variant (Variation ID: 903565). Algorithms developed to predict the effect of missense changes on protein structure and function are either unavailable or do not agree on the potential impact of this missense change (SIFT: "Deleterious"; PolyPhen-2: "Probably Damaging"; Align-GVGD: "Class C0"). Algorithms developed to predict the effect of sequence changes on RNA splicing suggest that this variant may disrupt the consensus splice site. In summary, the available evidence is currently insufficient to determine the role of this variant in disease. Therefore, it has been classified as a Variant of Uncertain Significance.

Ambry Genetics
Classification: Uncertain significance for Inborn genetic diseases. Last evaluated: 2021-06-11. Review status: criteria provided, single submitter. Criteria: Ambry Variant Classification Scheme 2023. Collection method: clinical testing. Allele origin: germline.

GeneDx
Classification: Uncertain significance. Last evaluated: 2020-01-24. Review status: criteria provided, single submitter. Criteria: GeneDx Variant Classification Process June 2021. Collection method: clinical testing. Allele origin: germline. Affected: yes.
Comment: Has not been previously published as pathogenic or benign to our knowledge; In silico analysis, which includes protein predictors and evolutionary conservation, supports a deleterious effect

Illumina Laboratory Services, Illumina
Classification: Uncertain significance for Sideroblastic anemia 2. Last evaluated: 2018-01-13. Review status: criteria provided, single submitter. Criteria: ICSL Variant Classification Criteria 13 December 2019. Collection method: clinical testing. Allele origin: germline.

Breakthrough Genomics
Classification: Uncertain significance. Review status: criteria provided, single submitter. Criteria: ACMG Guidelines, 2015. Collection method: not provided. Allele origin: germline. Inheritance: Autosomal recessive inheritance. Affected: yes.

NM_017875.4(SLC25A38):c.199C>T (p.Arg67Cys)

Gene: SLC25A38 (solute carrier family 25 member 38; plus strand). Cytogenetic location: 3p22.1.
Variant type: single nucleotide variant.
Coding change: c.199C>T on transcript NM_017875.4 (MANE Select); coding-DNA position 199, C replaced by T.
Protein change: p.Arg67Cys; replaces arginine 67 with cysteine.
Molecular consequence: missense variant.
Genome position (GRCh38, 1-based): chr3:39,390,430, C>T. VCF-style: chr3-39390430-C-T. GRCh37 (hg19) VCF-style: chr3-39431921-C-T.
Other names: c.199C>T, p.Arg67Cys (NM_001354798.2); short protein forms R67C.
Identifiers: ClinVar variation 903565 (VCV000903565.10), dbSNP rs200791957, ClinGen allele CA2327387.
Genomic context (GRCh38, chr3:39,390,430, plus strand): 5'-GGAAGTGATCTAAGTGATTTTTTCCTTCCTGTCTCCATTTTGTCTGCTTTCAGGTCTAGA[C>T]GTGTTGGGATGTTGGCTGTACTCTTGAAGGTGGTTCGCACGGAGAGTCTTTTGGGCCTTT-3'
Protein context (NP_060345.2, residues 57-77): TLQPSDHGSR[Arg67Cys]VGMLAVLLKV